The following is an entry in ClinVar:

NM_032043.3(BRIP1):c.3237T>C (p.Ile1079=)

Gene: BRIP1 (BRCA1 interacting DNA helicase 1; minus strand). Cytogenetic location: 17q23.2.
Variant type: single nucleotide variant.
Coding change: c.3237T>C on transcript NM_032043.3 (MANE Select); coding-DNA position 3237, T replaced by C.
Protein change: p.Ile1079=; no amino-acid change (isoleucine 1079 retained).
Molecular consequence: synonymous variant.
Genome position (GRCh38, 1-based): chr17:61,683,809, A>G on the plus strand (T>C on the coding strand, the complement: BRIP1 is on the minus strand). VCF-style: chr17-61683809-A-G. GRCh37 (hg19) VCF-style: chr17-59761170-A-G.
Identifiers: ClinVar variation 1729253 (VCV001729253.5), dbSNP rs587781666, ClinGen allele CA292267399.
Genomic context (GRCh38, chr17:61,683,809, plus strand): 5'-CAGGGCTTCTTCAGAACAGAGCGGATGTTCAGAATGATTTTTTCTAGTAAGGGTGGCATC[A>G]ATCTTTAATGATGAAATAATGGTTTCTGATTGAGGGCATGATCCAAACGATGTGTTTACT-3'
Protein context (NP_114432.2, residues 1069-1089): QSETIISSLK[Ile1079=]DATLTRKNHS

ClinVar aggregate classification (germline): Conflicting classifications of pathogenicity. Review status: criteria provided, conflicting classifications (1 of 4 stars). 3 submissions from 3 submitters: Uncertain significance (1); Likely benign (2). Last evaluated 2025-02-27.

Conditions:
Hereditary cancer-predisposing syndrome. Also called: Neoplastic Syndromes, Hereditary; Tumor predisposition; Hereditary Cancer Syndrome; Hereditary neoplastic syndrome. Identifiers: Orphanet 140162, MedGen C0027672, MeSH D009386, MONDO:0015356.
Fanconi anemia complementation group J. Also called: BRIP1-Related Fanconi Anemia. Identifiers: Orphanet 84, MedGen C1836860, MONDO:0012187, OMIM 609054.
Familial cancer of breast. Also called: BREAST CANCER, FAMILIAL; Hereditary breast cancer; hereditary breast carcinoma. Identifiers: Orphanet 227535, MedGen C0346153, MONDO:0016419, OMIM 114480. Disease mechanism: loss of function.

Submissions (3):

Quest Diagnostics Nichols Institute San Juan Capistrano
Classification: Uncertain significance. Last evaluated: 2025-02-27. Review status: criteria provided, single submitter. Criteria: Quest Diagnostics criteria. Collection method: clinical testing. Allele origin: unknown.
Comment: The BRIP1 c.3237T>C (p.Ile1079=) synonymous variant has not been reported in individuals with BRIP1-related conditions in the published literature. It also has not been reported in large, multi-ethnic general populations (Genome Aggregation Database). Analysis of this variant using software algorithms for the prediction of the effect of nucleotide changes on splicing yielded predictions that this variant does not affect BRIP1 mRNA splicing. Based on the available information, we are unable to determine the clinical significance of this variant.

Labcorp Genetics (formerly Invitae), Labcorp
Classification: Likely benign for Familial cancer of breast; Fanconi anemia complementation group J. Last evaluated: 2024-11-18. Review status: criteria provided, single submitter. Criteria: Invitae Variant Classification Sherloc (09022015). Collection method: clinical testing. Allele origin: germline.

Ambry Genetics
Classification: Likely benign for Hereditary cancer-predisposing syndrome. Last evaluated: 2019-09-22. Review status: criteria provided, single submitter. Criteria: Ambry Variant Classification Scheme 2023. Collection method: clinical testing. Allele origin: germline.